The following is an entry in ClinVar:

ClinVar aggregate classification (germline): Uncertain significance (1 of 4 stars; one submission).

Conditions:
Autosomal recessive limb-girdle muscular dystrophy type 2P. Also called: MUSCULAR DYSTROPHY-DYSTROGLYCANOPATHY, LIMB-GIRDLE, DAG1-RELATED; Limb-Girdle Muscular Dystrophy Type 9C; MUSCULAR DYSTROPHY, LIMB-GIRDLE, TYPE 2P. Identifiers: Orphanet 280333, MedGen C4511963, MONDO:0013440, OMIM 613818.
Muscular dystrophy-dystroglycanopathy (congenital with brain and eye anomalies), type A9. Also called: Muscular dystrophy-dystroglycanopathy (congenital with brain and eye anomalies), type a, 9; WALKER-WARBURG SYNDROME OR MUSCLE-EYE BRAIN DISEASE, DAG1-RELATED. Identifiers: Orphanet 370997, Orphanet 899, MedGen C4225291, MONDO:0014683, OMIM 616538.

Submission:

Labcorp Genetics (formerly Invitae), Labcorp
Classification: Uncertain significance for Autosomal recessive limb-girdle muscular dystrophy type 2P; Muscular dystrophy-dystroglycanopathy (congenital with brain and eye anomalies), type A9. Last evaluated: 2024-02-24. Review status: criteria provided, single submitter. Criteria: Invitae Variant Classification Sherloc (09022015). Collection method: clinical testing. Allele origin: germline.
Comment: This sequence change replaces proline, which is neutral and non-polar, with serine, which is neutral and polar, at codon 384 of the DAG1 protein (p.Pro384Ser). This variant is not present in population databases (gnomAD no frequency). This variant has not been reported in the literature in individuals affected with DAG1-related conditions. ClinVar contains an entry for this variant (Variation ID: 1389847). Advanced modeling of protein sequence and biophysical properties (such as structural, functional, and spatial information, amino acid conservation, physicochemical variation, residue mobility, and thermodynamic stability) performed at Invitae indicates that this missense variant is not expected to disrupt DAG1 protein function with a negative predictive value of 80%. In summary, the available evidence is currently insufficient to determine the role of this variant in disease. Therefore, it has been classified as a Variant of Uncertain Significance.

NM_004393.6(DAG1):c.1150C>T (p.Pro384Ser)

Gene: DAG1 (dystroglycan 1; plus strand). Cytogenetic location: 3p21.31.
Variant type: single nucleotide variant.
Coding change: c.1150C>T on transcript NM_004393.6 (MANE Select); coding-DNA position 1150, C replaced by T.
Protein change: p.Pro384Ser; replaces proline 384 with serine.
Molecular consequence: missense variant.
Genome position (GRCh38, 1-based): chr3:49,531,661, C>T. VCF-style: chr3-49531661-C-T. GRCh37 (hg19) VCF-style: chr3-49569094-C-T.
Other names: c.1150C>T, p.Pro384Ser (NM_001165928.4, NM_001177634.3, NM_001177635.3 and 9 more transcripts); short protein forms P384S.
Identifiers: ClinVar variation 1389847 (VCV001389847.6), dbSNP rs2107934008, ClinGen allele CA352794823.